The following is an entry in ClinVar:

ClinVar aggregate classification (germline): Benign. Review status: criteria provided, multiple submitters, no conflicts (2 of 4 stars). 3 submissions from 3 submitters: Benign (3). Last evaluated 2023-11-12.

Allele frequency attached by ClinVar (database versions not stated): 1000 Genomes Project 0.18690; 1000 Genomes Project 30x 0.18723; TOPMed 0.25910; gnomAD 0.27022 and 0.27667.
gnomAD v4.1: 294,338 of 1,072,210 alleles (27%); highest among the groups gnomAD compares: Non-Finnish European, 31%; 43,956 homozygotes.

Submissions (3):

Unidad de Genómica Garrahan, Hospital de Pediatría Garrahan
Classification: Benign. Last evaluated: 2023-11-12. Review status: criteria provided, single submitter. Criteria: ACMG Guidelines, 2015. Collection method: clinical testing. Allele origin: germline. Affected: no. Observed: 32 variant alleles.
Comment: This variant is classified as Benign based on local population frequency. This variant was detected in 33% of patients studied by a panel of primary immunodeficiencies. Number of patients: 32. Only high quality variants are reported.

GeneDx
Classification: Benign. Last evaluated: 2021-05-10. Review status: criteria provided, single submitter. Criteria: GeneDx Variant Classification Process June 2021. Collection method: clinical testing. Allele origin: germline. Affected: yes.

Breakthrough Genomics
Classification: Benign. Review status: criteria provided, single submitter. Criteria: ACMG Guidelines, 2015. Collection method: not provided. Allele origin: germline. Inheritance: Autosomal recessive inheritance. Affected: yes.

NM_001282225.2(ADA2):c.1442+119G>C

Gene: ADA2 (adenosine deaminase 2; minus strand). Cytogenetic location: 22q11.1.
Variant type: single nucleotide variant.
Coding change: c.1442+119G>C on transcript NM_001282225.2 (MANE Select); 119 bases into the intron after coding-DNA position 1442, G replaced by C.
Molecular consequence: intron variant.
Genome position (GRCh38, 1-based): chr22:17,181,701, C>G on the plus strand (G>C on the coding strand, the complement: ADA2 is on the minus strand). VCF-style: chr22-17181701-C-G. GRCh37 (hg19) VCF-style: chr22-17662591-C-G.
Other names: c.1316+119G>C (NM_001282227.2, NM_001282228.2); c.1082+119G>C (NM_001282229.2); c.1442+119G>C (NM_001282226.2); c.719+119G>C (NM_177405.3).
Identifiers: ClinVar variation 1285778 (VCV001285778.4), dbSNP rs11703884, ClinGen allele CA14955250.